The following is an entry in ClinVar:

NM_138295.5(PKD1L1):c.4591-3A>G

Gene: PKD1L1 (polycystin 1 like 1, transient receptor potential channel interacting; minus strand). Cytogenetic location: 7p12.3.
Variant type: single nucleotide variant.
Coding change: c.4591-3A>G on transcript NM_138295.5 (MANE Select); 3 bases into the intron before coding-DNA position 4591, A replaced by G.
Molecular consequence: intron variant.
Genome position (GRCh38, 1-based): chr7:47,855,268, T>C on the plus strand (A>G on the coding strand, the complement: PKD1L1 is on the minus strand). VCF-style: chr7-47855268-T-C. GRCh37 (hg19) VCF-style: chr7-47894866-T-C.
Identifiers: ClinVar variation 4999305 (VCV004999305.1).

ClinVar aggregate classification (germline): Uncertain significance (1 of 4 stars; one submission).

Conditions:
PKD1L1-related disorder. Also called: PKD1L1-related condition.

gnomAD v4.1: 4 of 1,610,022 alleles (0.00025%); highest among the groups gnomAD compares: South Asian, 0.0011%; no homozygotes.

Submission:

PreventionGenetics, part of Exact Sciences
Classification: Uncertain significance for PKD1L1-related condition. Last evaluated: 2026-08-03. Review status: criteria provided, single submitter. Criteria: ACMG Guidelines, 2015. Collection method: clinical testing. Allele origin: germline.
Comment: The PKD1L1 c.4591-3A>G variant is predicted to interfere with splicing. To our knowledge, this variant has not been reported in the literature or in a large population database (gnomAD), indicating this variant is rare. This variant is predicted to alter splicing based on available splicing prediction programs (SpliceAI, Jaganathan et al. 2019. PubMed ID: 30661751). However, the use of computer prediction programs is not equivalent to functional evidence. At this time, the clinical significance of this variant is uncertain due to the absence of conclusive functional and genetic evidence.